The following is an entry in ClinVar:

ClinVar aggregate classification (germline): Likely benign (1 of 4 stars; one submission).

Allele frequency attached by ClinVar (database versions not stated): 1000 Genomes Project 30x 0.00187; 1000 Genomes Project 0.00639.

Submission:

CeGaT Center for Human Genetics Tuebingen
Classification: Likely benign. Last evaluated: 2025-08-01. Review status: criteria provided, single submitter. Criteria: CeGaT Center For Human Genetics Tuebingen Variant Classification Criteria Version 2. Collection method: clinical testing. Allele origin: germline. Affected: yes. Observed: 2 variant alleles.
Comment: PRB3: BP4, BS2

NM_001394862.1(PRB3):c.557C>A (p.Pro186Gln)

Gene: PRB3 (proline rich protein BstNI subfamily 3; minus strand). Cytogenetic location: 12p13.2.
Variant type: single nucleotide variant.
Coding change: c.557C>A on transcript NM_001394862.1 (MANE Select); coding-DNA position 557, C replaced by A.
Protein change: p.Pro186Gln; replaces proline 186 with glutamine.
Molecular consequence: missense variant.
Genome position (GRCh38, 1-based): chr12:11,267,692, G>T on the plus strand (C>A on the coding strand, the complement: PRB3 is on the minus strand). VCF-style: chr12-11267692-G-T. GRCh37 (hg19) VCF-style: chr12-11420626-G-T.
Other names: c.557C>A, p.Pro186Gln (NM_006249.5); short protein forms P186Q.
Identifiers: ClinVar variation 2642709 (VCV002642709.24), dbSNP rs113564509, ClinGen allele CA6452145.